The following is an entry in ClinVar:

NM_005050.4(ABCD4):c.1124C>T (p.Pro375Leu)

Gene: ABCD4 (ATP binding cassette subfamily D member 4; minus strand). Cytogenetic location: 14q24.3.
Variant type: single nucleotide variant.
Coding change: c.1124C>T on transcript NM_005050.4 (MANE Select); coding-DNA position 1124, C replaced by T.
Protein change: p.Pro375Leu; replaces proline 375 with leucine.
Molecular consequence: missense variant. On other transcripts: non-coding transcript variant (10).
Genome position (GRCh38, 1-based): chr14:74,290,494, G>A on the plus strand (C>T on the coding strand, the complement: ABCD4 is on the minus strand). VCF-style: chr14-74290494-G-A. GRCh37 (hg19) VCF-style: chr14-74757197-G-A.
Other names: c.998C>T, p.Pro333Leu (NM_001353591.2, NM_001353592.2); c.863C>T, p.Pro288Leu (NM_001353593.2); c.812C>T, p.Pro271Leu (NM_001353594.2); c.710C>T, p.Pro237Leu (NM_001353595.2, NM_001353596.2); c.659C>T, p.Pro220Leu (NM_001353597.2); c.647C>T, p.Pro216Leu (NM_001353598.2, NM_001353599.2, NM_001353600.2 and 2 more transcripts); c.995C>T, p.Pro332Leu (NM_020323.1); c.1124C>T, p.Pro375Leu (NM_020325.3); and 1 more; short protein forms P216L, P333L, P112L, P237L, P288L, P220L, P271L, P332L.
Identifiers: ClinVar variation 2886684 (VCV002886684.3), dbSNP rs941046002, ClinGen allele CA263583443.

ClinVar aggregate classification (germline): Uncertain significance (1 of 4 stars; one submission).

Conditions:
Methylmalonic acidemia with homocystinuria, type cblJ (MAHCJ). Also called: METHYLMALONIC ACIDURIA AND HOMOCYSTINURIA, cblJ TYPE. Identifiers: Orphanet 369955, MedGen C3553915, MONDO:0013925, OMIM 614857.

Allele frequency attached by ClinVar (database versions not stated): gnomAD 0.00001; TOPMed 0.00001.
gnomAD v4.1: 37 of 1,612,572 alleles (0.0023%); highest among the groups gnomAD compares: Non-Finnish European, 0.0031%; no homozygotes.

Submission:

Labcorp Genetics (formerly Invitae), Labcorp
Classification: Uncertain significance for Methylmalonic acidemia with homocystinuria, type cblJ. Last evaluated: 2024-01-18. Review status: criteria provided, single submitter. Criteria: Invitae Variant Classification Sherloc (09022015). Collection method: clinical testing. Allele origin: germline.
Comment: This sequence change replaces proline, which is neutral and non-polar, with leucine, which is neutral and non-polar, at codon 375 of the ABCD4 protein (p.Pro375Leu). The frequency data for this variant in the population databases is considered unreliable, as metrics indicate poor data quality at this position in the gnomAD database. This variant has not been reported in the literature in individuals affected with ABCD4-related conditions. Advanced modeling of protein sequence and biophysical properties (such as structural, functional, and spatial information, amino acid conservation, physicochemical variation, residue mobility, and thermodynamic stability) performed at Invitae indicates that this missense variant is not expected to disrupt ABCD4 protein function with a negative predictive value of 95%. In summary, the available evidence is currently insufficient to determine the role of this variant in disease. Therefore, it has been classified as a Variant of Uncertain Significance.